The following is an entry in ClinVar:

NM_001042545.2(LTBP4):c.4516G>C (p.Val1506Leu)

Gene: LTBP4 (latent transforming growth factor beta binding protein 4; plus strand). Cytogenetic location: 19q13.2.
Variant type: single nucleotide variant.
Coding change: c.4516G>C on transcript NM_001042545.2 (MANE Select); coding-DNA position 4516, G replaced by C.
Protein change: p.Val1506Leu; replaces valine 1506 with leucine.
Molecular consequence: missense variant.
Genome position (GRCh38, 1-based): chr19:40,627,854, G>C. VCF-style: chr19-40627854-G-C. GRCh37 (hg19) VCF-style: chr19-41133759-G-C.
Other names: c.4717G>C, p.Val1573Leu (NM_001042544.1); c.4606G>C, p.Val1536Leu (NM_003573.2); short protein forms V1506L, V1536L, V1573L.
Identifiers: ClinVar variation 4534390 (VCV004534390.6).

ClinVar aggregate classification (germline): Uncertain significance (1 of 4 stars; one submission).

gnomAD v4.1: 39 of 1,562,898 alleles (0.0025%); highest among the groups gnomAD compares: Non-Finnish European, 0.003%; no homozygotes.

Submission:

CeGaT Center for Human Genetics Tuebingen
Classification: Uncertain significance. Last evaluated: 2025-10-01. Review status: criteria provided, single submitter. Criteria: CeGaT Center For Human Genetics Tuebingen Variant Classification Criteria Version 2. Collection method: clinical testing. Allele origin: germline. Affected: yes. Observed: 1 variant allele.
Comment: LTBP4: PM2